The following is an entry in ClinVar:

ClinVar aggregate classification (germline): Pathogenic/Likely pathogenic. Review status: criteria provided, multiple submitters, no conflicts (2 of 4 stars). 2 submissions from 2 submitters: Pathogenic (1); Likely pathogenic (1). Last evaluated 2024-04-24.

Conditions:
SPG7-related disorder. Also called: SPG7-related condition.
Hereditary spastic paraplegia 7 (SPG7). Also called: SPASTIC PARAPLEGIA 7, AUTOSOMAL RECESSIVE, WITH OR WITHOUT CEREBELLAR ATAXIA; Autosomal recessive spastic paraplegia type 7; SPG7-related neurologic disorder; Spastic paraplegia 7; Hereditary spastic paraplegia Paraplegin type. Identifiers: Orphanet 99013, MedGen C1846564, MONDO:0011803, OMIM 607259.

Submissions (2):

Labcorp Genetics (formerly Invitae), Labcorp
Classification: Pathogenic for Hereditary spastic paraplegia 7. Last evaluated: 2024-04-24. Review status: criteria provided, single submitter. Criteria: Invitae Variant Classification Sherloc (09022015). Collection method: clinical testing. Allele origin: germline.
Comment: This sequence change creates a premature translational stop signal (p.Leu543Glnfs*32) in the SPG7 gene. It is expected to result in an absent or disrupted protein product. Loss-of-function variants in SPG7 are known to be pathogenic (PMID: 21623769, 22964162). This variant is present in population databases (rs766155407, gnomAD 0.003%). This variant has not been reported in the literature in individuals affected with SPG7-related conditions. ClinVar contains an entry for this variant (Variation ID: 411677). For these reasons, this variant has been classified as Pathogenic.

Blueprint Genetics
Classification: Likely pathogenic for SPG7-related disorders. Last evaluated: 2022-06-16. Review status: criteria provided, single submitter. Criteria: ACMG Guidelines, 2015. Collection method: clinical testing. Allele origin: germline. Affected: yes. Observed: 4 variant alleles.

Literature cited by the submitters: PubMed 21623769 (cited by Labcorp Genetics (formerly Invitae), Labcorp); PubMed 22964162 (cited by Labcorp Genetics (formerly Invitae), Labcorp).

NM_003119.4(SPG7):c.1628_1629del (p.Leu543fs)

Gene: SPG7 (SPG7 matrix AAA peptidase subunit, paraplegin; plus strand). Cytogenetic location: 16q24.3.
Variant type: Microsatellite.
Coding change: c.1628_1629del on transcript NM_003119.4 (MANE Select); coding-DNA positions 1628 to 1629, 2 bases deleted (TC; older notation c.1628_1629delTC).
Protein change: p.Leu543fs; shifts the reading frame from leucine 543.
Molecular consequence: frameshift variant.
Genome position (GRCh38, 1-based): chr16:89,548,078-89,548,079, TC deleted; deleting any 2 consecutive bases within chr16:89,548,075-89,548,079 gives the same sequence; the c. name uses the placement nearest the transcript's 3' end. VCF-style (leftmost placement, unchanged base first): chr16-89548074-ACT-A. GRCh37 (hg19) VCF-style: chr16-89614482-ACT-A.
Other names: c.1628_1629del (NM_003119.3); c.1628_1629del, p.Leu543fs (NM_001363850.1); short protein forms L543fs.
Identifiers: ClinVar variation 411677 (VCV000411677.9), dbSNP rs766155407, ClinGen allele CA8244286.
Genomic context (GRCh38, chr16:89,548,074, plus strand): 5'-GCCAACATCTGCAATGAGGCTGCGCTGCACGCGGCGCGGGAGGGACACACTTCCGTGCAC[ACT>A]CTCAACTTCGAGTACGCCGTGGAGCGCGTCCTCGCAGGTACAGGGGGCGCGCCCTGGGTG-3'